The following is an entry in ClinVar:

ClinVar aggregate classification (germline): Pathogenic (1 of 4 stars; one submission).

Submission:

Labcorp Genetics (formerly Invitae), Labcorp
Classification: Pathogenic. Last evaluated: 2023-01-24. Review status: criteria provided, single submitter. Criteria: Invitae Variant Classification Sherloc (09022015). Collection method: clinical testing. Allele origin: germline.
Comment: This sequence change creates a premature translational stop signal (p.Ser224*) in the NR2E3 gene. It is expected to result in an absent or disrupted protein product. Loss-of-function variants in NR2E3 are known to be pathogenic (PMID: 15459973, 27522502). For these reasons, this variant has been classified as Pathogenic. This variant has not been reported in the literature in individuals affected with NR2E3-related conditions. This variant is not present in population databases (gnomAD no frequency).

Literature cited by the submitters: PubMed 15459973; PubMed 27522502.

NM_014249.4(NR2E3):c.671C>A (p.Ser224Ter)

Gene: NR2E3 (nuclear receptor subfamily 2 group E member 3; plus strand). Cytogenetic location: 15q23.
Variant type: single nucleotide variant.
Coding change: c.671C>A on transcript NM_014249.4 (MANE Select); coding-DNA position 671, C replaced by A.
Protein change: p.Ser224Ter; replaces serine 224 with a stop codon.
Molecular consequence: nonsense.
Genome position (GRCh38, 1-based): chr15:71,812,435, C>A. VCF-style: chr15-71812435-C-A. GRCh37 (hg19) VCF-style: chr15-72104775-C-A.
Other names: c.671C>A, p.Ser224Ter (NM_016346.4); short protein forms S224*.
Identifiers: ClinVar variation 2738593 (VCV002738593.3), dbSNP rs765642230, ClinGen allele CA393035428.